The following is an entry in ClinVar:

ClinVar aggregate classification (germline): Uncertain significance (1 of 4 stars; one submission).

gnomAD v4.1: 2 of 1,613,760 alleles (0.00012%); highest among the groups gnomAD compares: East Asian, 0.0022%; no homozygotes.

Submission:

Labcorp Genetics (formerly Invitae), Labcorp
Classification: Uncertain significance. Last evaluated: 2023-02-28. Review status: criteria provided, single submitter. Criteria: Invitae Variant Classification Sherloc (09022015). Collection method: clinical testing. Allele origin: germline.
Comment: This sequence change replaces serine, which is neutral and polar, with phenylalanine, which is neutral and non-polar, at codon 667 of the DCHS1 protein (p.Ser667Phe). This variant is present in population databases (no rsID available, gnomAD 0.06%). This variant has not been reported in the literature in individuals affected with DCHS1-related conditions. Advanced modeling of protein sequence and biophysical properties (such as structural, functional, and spatial information, amino acid conservation, physicochemical variation, residue mobility, and thermodynamic stability) performed at Invitae indicates that this missense variant is expected to disrupt DCHS1 protein function. In summary, the available evidence is currently insufficient to determine the role of this variant in disease. Therefore, it has been classified as a Variant of Uncertain Significance.

NM_003737.4(DCHS1):c.2000C>T (p.Ser667Phe)

Gene: DCHS1 (dachsous cadherin-related 1; minus strand). Cytogenetic location: 11p15.4.
Variant type: single nucleotide variant.
Coding change: c.2000C>T on transcript NM_003737.4 (MANE Select); coding-DNA position 2000, C replaced by T.
Protein change: p.Ser667Phe; replaces serine 667 with phenylalanine.
Molecular consequence: missense variant.
Genome position (GRCh38, 1-based): chr11:6,634,007, G>A on the plus strand (C>T on the coding strand, the complement: DCHS1 is on the minus strand). VCF-style: chr11-6634007-G-A. GRCh37 (hg19) VCF-style: chr11-6655238-G-A.
Other names: short protein forms S667F.
Identifiers: ClinVar variation 2806522 (VCV002806522.3), dbSNP rs146086570, ClinGen allele CA379424818.